The following is an entry in ClinVar:

NM_005996.4(TBX3):c.1704C>T (p.Ala568=)

Gene: TBX3 (T-box transcription factor 3; minus strand). Cytogenetic location: 12q24.21.
Variant type: single nucleotide variant.
Coding change: c.1704C>T on transcript NM_005996.4 (MANE Select); coding-DNA position 1704, C replaced by T.
Protein change: p.Ala568=; no amino-acid change (alanine 568 retained).
Molecular consequence: synonymous variant.
Genome position (GRCh38, 1-based): chr12:114,674,171, G>A on the plus strand (C>T on the coding strand, the complement: TBX3 is on the minus strand). VCF-style: chr12-114674171-G-A. GRCh37 (hg19) VCF-style: chr12-115111976-G-A.
Other names: c.1764C>T, p.Ala588= (NM_016569.4); c.1764C>T (NM_016569.3).
Identifiers: ClinVar variation 4918741 (VCV004918741.2).
Genomic context (GRCh38, chr12:114,674,171, plus strand): 5'-GGAAACTGGACGAAAGGTGGAAAGACTGGTGGAGGCAGGAAGAAGGATCCATACCTGAGA[G>A]GCCAGGACGTGCTGCTGGAGGTGGAAGGGCAGGGTGGCCGCGGACGCCCCGGACAGTCCC-3'
Protein context (NP_005987.3, residues 558-578): LPFHLQQHVL[Ala568=]SQGLAMSPFG

ClinVar aggregate classification (germline): Likely benign. Review status: criteria provided, multiple submitters, no conflicts (2 of 4 stars). 2 submissions from 2 submitters: Likely benign (2). Last evaluated 2024-11-22.

Conditions:
TBX3-related disorder. Also called: TBX3-related condition.

gnomAD v4.1: 4 of 1,582,880 alleles (0.00025%); highest among the groups gnomAD compares: African/African-American, 0.004%; no homozygotes.

Submissions (2):

PreventionGenetics, part of Exact Sciences
Classification: Likely benign for TBX3-related condition. Last evaluated: 2024-11-22. Review status: criteria provided, single submitter. Criteria: ACMG Guidelines, 2015. Collection method: clinical testing. Allele origin: germline.
Comment: This variant is classified as likely benign based on ACMG/AMP sequence variant interpretation guidelines (Richards et al. 2015 PMID: 25741868, with internal and published modifications).

Blueprint Genetics
Classification: Likely benign. Last evaluated: 2024-06-18. Review status: criteria provided, single submitter. Criteria: ACMG Guidelines, 2015. Collection method: clinical testing. Allele origin: germline.